The following is an entry in ClinVar:

NM_000304.4(PMP22):c.403G>A (p.Ala135Thr)

Gene: PMP22 (peripheral myelin protein 22; minus strand). Cytogenetic location: 17p12.
Variant type: single nucleotide variant.
Coding change: c.403G>A on transcript NM_000304.4 (MANE Select); coding-DNA position 403, G replaced by A.
Protein change: p.Ala135Thr; replaces alanine 135 with threonine.
Molecular consequence: missense variant. On other transcripts: non-coding transcript variant (2).
Genome position (GRCh38, 1-based): chr17:15,230,997, C>T on the plus strand (G>A on the coding strand, the complement: PMP22 is on the minus strand). VCF-style: chr17-15230997-C-T. GRCh37 (hg19) VCF-style: chr17-15134314-C-T.
Other names: c.403G>A, p.Ala135Thr (NM_001281455.2, NM_001281456.2, NM_153321.3 and 1 more transcripts); short protein forms A135T.
Identifiers: ClinVar variation 382636 (VCV000382636.28), dbSNP rs141094419, ClinGen allele CA8403306.
Genomic context (GRCh38, chr17:15,230,997, plus strand): 5'-TCACATAGATGACACCGCTGAGAAGGGCCAGGGGGAAGGCCACCCAGGCCAGGATGTAGG[C>T]GAAACCGTAGGAGTAATCCGAGTTGAGATGCCACTCCGGGTGCCTCACCGTGTAGATGGC-3'
Protein context (NP_000295.1, residues 125-145): HLNSDYSYGF[Ala135Thr]YILAWVAFPL

ClinVar aggregate classification (germline): Benign/Likely benign. Review status: criteria provided, multiple submitters, no conflicts (2 of 4 stars). 9 submissions from 8 submitters: Benign (6); Likely benign (2). 1 of the submissions does not count toward it. Last evaluated 2026-05-01.

Conditions:
PMP22-related disorder. Also called: PMP22-related disorders; PMP22-related condition.
Charcot-Marie-Tooth disease, type I (CMT1). Also called: Charcot-Marie-Tooth disease type 1; Charcot-Marie-Tooth, Type 1. Identifiers: Orphanet 65753, MedGen C0751036, MONDO:0019011.
Hereditary liability to pressure palsies (HNPP). Also called: Hereditary Neuropathy with Liability to Pressure Palsies; POLYNEUROPATHY, FAMILIAL RECURRENT; TOMACULOUS NEUROPATHY. Identifiers: Orphanet 640, MedGen C0393814, MONDO:0008087, OMIM 162500.
Inborn genetic diseases. Identifiers: MedGen C0950123, MeSH D030342.

Allele frequency attached by ClinVar (database versions not stated): gnomAD 0.00256 and 0.00278; 1000 Genomes Project 30x 0.00265; gnomAD exomes 0.00074; ExAC 0.00088; 1000 Genomes Project 0.00220; TOPMed 0.00267; ESP Exome Variant Server 0.00277.
gnomAD v4.1: 759 of 1,614,126 alleles (0.047%); highest among the groups gnomAD compares: African/African-American, 0.9%; 3 homozygotes.

Submissions (9):

CeGaT Center for Human Genetics Tuebingen
Classification: Benign. Last evaluated: 2026-05-01. Review status: criteria provided, single submitter. Criteria: CeGaT Center For Human Genetics Tuebingen Variant Classification Criteria Version 2. Collection method: clinical testing. Allele origin: germline. Affected: yes. Observed: 2 variant alleles.
Comment: PMP22: BS1, BS2

Labcorp Genetics (formerly Invitae), Labcorp
Classification: Benign for Charcot-Marie-Tooth disease, type I. Last evaluated: 2026-01-27. Review status: criteria provided, single submitter. Criteria: Invitae Variant Classification Sherloc (09022015). Collection method: clinical testing. Allele origin: germline.

Blueprint Genetics
Classification: Likely benign. Last evaluated: 2024-07-05. Review status: criteria provided, single submitter. Criteria: ACMG Guidelines, 2015. Collection method: clinical testing. Allele origin: germline.

GeneDx
Classification: Benign. Last evaluated: 2020-12-28. Review status: criteria provided, single submitter. Criteria: GeneDx Variant Classification Process June 2021. Collection method: clinical testing. Allele origin: germline. Affected: yes.
Comment: This variant is associated with the following publications: (PMID: 25400662)

Ambry Genetics
Classification: Likely benign for Inborn genetic diseases. Last evaluated: 2019-11-21. Review status: criteria provided, single submitter. Criteria: Ambry Variant Classification Scheme 2023. Collection method: clinical testing. Allele origin: germline.

Illumina Laboratory Services, Illumina
Classification: Benign for Charcot-Marie-Tooth disease, type I. Last evaluated: 2017-09-28. Review status: criteria provided, single submitter. Criteria: ICSL Variant Classification Criteria 13 December 2019. Collection method: clinical testing. Allele origin: germline.
Comment: This variant was observed as part of a predisposition screen in an ostensibly healthy population. A literature search was performed for the gene, cDNA change, and amino acid change (where applicable). No publications were found based on this search. Allele frequency data from public databases was too high to be consistent with this variant causing disease. Therefore, this variant is classified as benign.

Illumina Laboratory Services, Illumina
Classification: Benign for Hereditary liability to pressure palsies. Last evaluated: 2017-09-28. Review status: criteria provided, single submitter. Criteria: ICSL Variant Classification Criteria 13 December 2019. Collection method: clinical testing. Allele origin: germline.
Comment: the same text as in the submission from Illumina Laboratory Services, Illumina above.

Athena Diagnostics
Classification: Benign. Last evaluated: 2017-09-18. Review status: criteria provided, single submitter. Criteria: Athena Diagnostics Criteria. Collection method: clinical testing. Allele origin: germline.

PreventionGenetics, part of Exact Sciences
Classification: Likely benign for PMP22-related condition. Last evaluated: 2024-03-04. Review status: no assertion criteria provided. Collection method: clinical testing. Allele origin: germline. Not counted in ClinVar's aggregate classification.
Comment: This variant is classified as likely benign based on ACMG/AMP sequence variant interpretation guidelines (Richards et al. 2015 PMID: 25741868, with internal and published modifications).

Literature cited by the submitters: PubMed 28374912 (cited by Athena Diagnostics).